The following is an entry in ClinVar:

ClinVar aggregate classification (germline): Likely pathogenic. Review status: criteria provided, multiple submitters, no conflicts (2 of 4 stars). 2 submissions from 2 submitters: Likely pathogenic (2). Last evaluated 2024-11-04.

Conditions:
Autosomal recessive limb-girdle muscular dystrophy type 2J (LGMDR10). Also called: Limb-girdle muscular dystrophy, type 2J; MUSCULAR DYSTROPHY, LIMB-GIRDLE, AUTOSOMAL RECESSIVE 10. Identifiers: Orphanet 140922, MedGen C1837342, MONDO:0012127, OMIM 608807.
Dilated cardiomyopathy 1G (CMD1G). Identifiers: Orphanet 154, MedGen C1858763, MONDO:0011400, OMIM 604145.
Primary dilated cardiomyopathy (DCM). Also called: Dilated Cardiomyopathy. Identifiers: Orphanet 217604, MedGen C0007193, MeSH D002311, MONDO:0005021, HP:0001644. Inheritance: Various modes of inheritance.

Submissions (2):

Labcorp Genetics (formerly Invitae), Labcorp
Classification: Likely pathogenic for Dilated cardiomyopathy 1G; Autosomal recessive limb-girdle muscular dystrophy type 2J. Last evaluated: 2024-11-04. Review status: criteria provided, single submitter. Criteria: Invitae Variant Classification Sherloc (09022015). Collection method: clinical testing. Allele origin: germline.
Comment: This sequence change creates a premature translational stop signal (p.Lys15179*) in the TTN gene. While this is not anticipated to result in nonsense mediated decay, it is expected to create a truncated TTN protein. This variant is not present in population databases (gnomAD no frequency). This variant has not been observed in the literature in individuals with autosomal recessive TTN-related conditions. This variant has been reported in individual(s) with autosomal dominant dilated cardiomyopathy (internal data); however, the role of the variant in this condition is currently unclear. ClinVar contains an entry for this variant (Variation ID: 582605). This variant is located in the I band of TTN (PMID: 25589632). Truncating variants in this region have been reported in individuals affected with autosomal recessive centronuclear myopathy (PMID: 23975875, internal data). Truncating variants in this region have also been identified in individuals affected with autosomal dominant dilated cardiomyopathy and/or cardio-related conditions (PMID: 27869827, 32964742, internal data). In summary, the currently available evidence indicates that the variant is pathogenic, but additional data are needed to prove that conclusively. Therefore, this variant has been classified as Likely Pathogenic.

Center for Advanced Laboratory Medicine, UC San Diego Health, University of California San Diego
Classification: Likely pathogenic for Dilated cardiomyopathy. Last evaluated: 2019-03-19. Review status: criteria provided, single submitter. Criteria: ACMG Guidelines, 2015. Collection method: clinical testing. Allele origin: germline. Affected: yes. Observed: 1 variant allele.

Literature cited by the submitters: PubMed 25589632 (cited by Labcorp Genetics (formerly Invitae), Labcorp); PubMed 23975875 (cited by Labcorp Genetics (formerly Invitae), Labcorp); PubMed 27869827 (cited by Labcorp Genetics (formerly Invitae), Labcorp); PubMed 32964742 (cited by Labcorp Genetics (formerly Invitae), Labcorp).

NM_001267550.2(TTN):c.45535A>T (p.Lys15179Ter)

Genes: TTN (titin; minus strand), LOC126806427 (BRD4-independent group 4 enhancer GRCh37_chr2:179485777-179486976; plus strand). Cytogenetic location: 2q31.2.
Variant type: single nucleotide variant.
Coding change: c.45535A>T on transcript NM_001267550.2 (MANE Select); coding-DNA position 45535, A replaced by T.
Protein change: p.Lys15179Ter; replaces lysine 15179 with a stop codon.
Molecular consequence: nonsense.
Genome position (GRCh38, 1-based): chr2:178,621,183, T>A on the plus strand (A>T on the coding strand, the complement: TTN is on the minus strand). VCF-style: chr2-178621183-T-A. GRCh37 (hg19) VCF-style: chr2-179485910-T-A.
Other names: c.40612A>T, p.Lys13538Ter (NM_001256850.1); c.18340A>T, p.Lys6114Ter (NM_003319.4); c.37831A>T, p.Lys12611Ter (NM_133378.4); c.18715A>T, p.Lys6239Ter (NM_133432.3); c.18916A>T, p.Lys6306Ter (NM_133437.4); short protein forms K15179*, K12611*, K6306*, K13538*, K6239*, K6114*.
Identifiers: ClinVar variation 582605 (VCV000582605.10), dbSNP rs1559877046, ClinGen allele CA349633707.
Genomic context (GRCh38, chr2:178,621,183, plus strand): 5'-CTGCTCTGGCGGCCCCTACCATGACAACGTAAGTGCCCATATCTTGTAATGTGGCATCTT[T>A]CACAACTAGGACCCTCTTTTTACCATCAGCAATAACGTCATATTTATCTCCAGATTCAAG-3'